The following is an entry in ClinVar:

NM_006623.4(PHGDH):c.619A>T (p.Thr207Ser)

Gene: PHGDH (phosphoglycerate dehydrogenase; plus strand). Cytogenetic location: 1p12.
Variant type: single nucleotide variant.
Coding change: c.619A>T on transcript NM_006623.4 (MANE Select); coding-DNA position 619, A replaced by T.
Protein change: p.Thr207Ser; replaces threonine 207 with serine.
Molecular consequence: missense variant.
Genome position (GRCh38, 1-based): chr1:119,734,742, A>T. VCF-style: chr1-119734742-A-T. GRCh37 (hg19) VCF-style: chr1-120277365-A-T.
Other names: c.619A>T (NM_006623.3); short protein forms T207S.
Identifiers: ClinVar variation 2201483 (VCV002201483.3), dbSNP rs146721224, ClinGen allele CA1037155.

ClinVar aggregate classification (germline): Uncertain significance. Review status: criteria provided, multiple submitters, no conflicts (2 of 4 stars). 2 submissions from 2 submitters: Uncertain significance (2). Last evaluated 2024-12-27.

Conditions:
PHGDH deficiency. Identifiers: Orphanet 79351, MedGen C1866174, MONDO:0011152, OMIM 601815.

Allele frequency attached by ClinVar (database versions not stated): gnomAD exomes 0.00003; ExAC 0.00006; gnomAD 0.00007; ESP Exome Variant Server 0.00008.
gnomAD v4.1: 53 of 1,611,620 alleles (0.0033%); highest among the groups gnomAD compares: Non-Finnish European, 0.0015%; no homozygotes.

Submissions (2):

GeneDx
Classification: Uncertain significance. Last evaluated: 2024-12-27. Review status: criteria provided, single submitter. Criteria: GeneDx Variant Classification Process June 2021. Collection method: clinical testing. Allele origin: germline.
Comment: In silico analysis supports that this missense variant has a deleterious effect on protein structure/function; Has not been previously published as pathogenic or benign to our knowledge

Labcorp Genetics (formerly Invitae), Labcorp
Classification: Uncertain significance for PHGDH deficiency. Last evaluated: 2022-03-17. Review status: criteria provided, single submitter. Criteria: Invitae Variant Classification Sherloc (09022015). Collection method: clinical testing. Allele origin: germline.
Comment: This sequence change replaces threonine, which is neutral and polar, with serine, which is neutral and polar, at codon 207 of the PHGDH protein (p.Thr207Ser). This variant is present in population databases (rs146721224, gnomAD 0.08%). This variant has not been reported in the literature in individuals affected with PHGDH-related conditions. Algorithms developed to predict the effect of missense changes on protein structure and function are either unavailable or do not agree on the potential impact of this missense change (SIFT: "Tolerated"; PolyPhen-2: "Probably Damaging"; Align-GVGD: "Class C0"). In summary, the available evidence is currently insufficient to determine the role of this variant in disease. Therefore, it has been classified as a Variant of Uncertain Significance.